The following is an entry in ClinVar:

ClinVar aggregate classification (germline): Conflicting classifications of pathogenicity. Review status: criteria provided, conflicting classifications (1 of 4 stars). 2 submissions from 2 submitters: Uncertain significance (1); Likely benign (1). Last evaluated 2026-09-15.

Conditions:
KMT2D-related disorder. Also called: KMT2D-Related Disorders.

Submissions (2):

PreventionGenetics, part of Exact Sciences
Classification: Uncertain significance for KMT2D-related condition. Last evaluated: 2026-09-15. Review status: criteria provided, single submitter. Criteria: ACMG Guidelines, 2015. Collection method: clinical testing. Allele origin: germline.
Comment: The KMT2D c.3086A>G variant is predicted to result in the amino acid substitution p.Gln1029Arg. To our knowledge, this variant has not been reported in the literature or in a large population database (gnomAD), indicating this variant is rare. At this time, the clinical significance of this variant is uncertain due to the absence of conclusive functional and genetic evidence.

Women's Health and Genetics/Laboratory Corporation of America, LabCorp
Classification: Likely benign. Last evaluated: 2023-11-16. Review status: criteria provided, single submitter. Criteria: LabCorp Variant Classification Summary - May 2015. Collection method: clinical testing. Allele origin: germline.
Comment: Variant summary: MLL2 c.3086A>G (p.Gln1029Arg) results in a conservative amino acid change in the encoded protein sequence. Five of five in-silico tools predict a benign effect of the variant on protein function. The variant was absent in 247778 control chromosomes. The available data on variant occurrences in the general population are insufficient to allow any conclusion about variant significance. To our knowledge, no occurrence of c.3086A>G in individuals affected with Kabuki Syndrome 1 and no experimental evidence demonstrating its impact on protein function have been reported. The variant was observed as a maternally inherited occurrence in at-least one proband who underwent a comprehensive genetic evaluation for ID/Autism at our laboratory. No submitters have cited clinical-significance assessments for this variant to ClinVar after 2014. Based on the reports of methylation variant pathogenicity (MVP) as a highly sensitive and specific modality for determining pathogenic associations in Kabuki syndrome (PMID: 28933623) and the evidence outlined above, the variant was re-classified as likely benign.

NM_003482.4(KMT2D):c.3086A>G (p.Gln1029Arg)

Gene: KMT2D (lysine methyltransferase 2D; minus strand). Cytogenetic location: 12q13.12.
Variant type: single nucleotide variant.
Coding change: c.3086A>G on transcript NM_003482.4 (MANE Select); coding-DNA position 3086, A replaced by G.
Protein change: p.Gln1029Arg; replaces glutamine 1029 with arginine.
Molecular consequence: missense variant.
Genome position (GRCh38, 1-based): chr12:49,050,502, T>C on the plus strand (A>G on the coding strand, the complement: KMT2D is on the minus strand). VCF-style: chr12-49050502-T-C. GRCh37 (hg19) VCF-style: chr12-49444285-T-C.
Other names: short protein forms Q1029R.
Identifiers: ClinVar variation 2682575 (VCV002682575.2), dbSNP rs2120651599, ClinGen allele CA384659455.